The following is an entry in ClinVar:

NM_005121.3(MED13):c.980C>T (p.Pro327Leu)

Gene: MED13 (mediator complex subunit 13; minus strand). Cytogenetic location: 17q23.2.
Variant type: single nucleotide variant.
Coding change: c.980C>T on transcript NM_005121.3 (MANE Select); coding-DNA position 980, C replaced by T.
Protein change: p.Pro327Leu; replaces proline 327 with leucine.
Molecular consequence: missense variant.
Genome position (GRCh38, 1-based): chr17:62,031,473, G>A on the plus strand (C>T on the coding strand, the complement: MED13 is on the minus strand). VCF-style: chr17-62031473-G-A. GRCh37 (hg19) VCF-style: chr17-60108834-G-A.
Other names: short protein forms P327L.
Identifiers: ClinVar variation 1333369 (VCV001333369.1), dbSNP rs2143678134, ClinGen allele CA400785617.

ClinVar aggregate classification (germline): Uncertain significance (1 of 4 stars; one submission).

Conditions:
Intellectual developmental disorder 61. Also called: MENTAL RETARDATION, AUTOSOMAL DOMINANT 61; INTELLECTUAL DEVELOPMENTAL DISORDER, AUTOSOMAL DOMINANT 61. Identifiers: MedGen C5231400, MONDO:0032485, OMIM 618009.

Submission:

3billion
Classification: Uncertain significance for Intellectual developmental disorder 61. Last evaluated: 2022-01-03. Review status: criteria provided, single submitter. Criteria: ACMG Guidelines, 2015. Collection method: clinical testing. Allele origin: germline. Affected: yes. Observed: 1 heterozygote.
Comment: A different missense change at the same codon has been reported to be associated with MED13 related disorder (PMID:29740699,29740699, PM5_P). In silico tool predictions suggest damaging effect of the variant on gene or gene product (REVEL: 0.642, PP3_P). It is not observed in the gnomAD v2.1.1 dataset (PM2_M). Therefore, this variant is classified as uncertain significance according to the recommendation of ACMG/AMP guideline.

Literature cited by the submitters: PubMed 29740699.